The following is an entry in ClinVar:

NM_004070.4(CLCNKA):c.499-8dup

Genes: CLCNKA (chloride voltage-gated channel Ka; plus strand), LOC106501712 (CLCNKA recombination region; plus strand). Cytogenetic location: 1p36.13.
Variant type: Duplication.
Coding change: c.499-8dup on transcript NM_004070.4 (MANE Select); 8 bases into the intron before coding-DNA position 499, one base duplicated (C; older notation c.499-8dupC).
Molecular consequence: intron variant.
Genome position (GRCh38, 1-based): chr1:16,026,528, C duplicated; the last of 3 consecutive C bases (chr1:16,026,526-16,026,528); duplicating any one gives the same sequence. VCF-style (leftmost placement, unchanged base first): chr1-16026525-T-TC. GRCh37 (hg19) VCF-style: chr1-16353020-T-TC.
Other names: c.499-8dup (NM_001042704.2); c.370-8dup (NM_001257139.2); c.499-8dupC (NM_004070.4).
Identifiers: ClinVar variation 4536055 (VCV004536055.2).
Genomic context (GRCh38, chr1:16,026,525, plus strand): 5'-GGGGAAGCCGTGCTGCCTCGGGGTGAGACTGTCTCTGCTGCCCTCACCTGGGCCCACCCT[T>TC]CCCTCTGCAGGGCCCTTTCGTGCACCTGTCTGTAATGATCGCTGCCTACCTGGGCCGTGT-3'

ClinVar aggregate classification (germline): Benign/Likely benign. Review status: criteria provided, multiple submitters, no conflicts (2 of 4 stars). 2 submissions from 2 submitters: Benign (1); Likely benign (1). Last evaluated 2025-09-30.

Submissions (2):

Women's Health and Genetics/Laboratory Corporation of America, LabCorp
Classification: Benign. Last evaluated: 2025-09-30. Review status: criteria provided, single submitter. Criteria: LabCorp Variant Classification Summary - May 2015. Collection method: clinical testing. Allele origin: germline.
Comment: Variant summary: CLCNKA c.499-8dupC alters a nucleotide located at a position not widely known to affect splicing. Consensus agreement among computation tools predict no significant impact on normal splicing. However, these predictions have yet to be confirmed by functional studies. The variant allele was found at a frequency of 0.0017 in 251128 control chromosomes, predominantly at a frequency of 0.0046 within the South Asian subpopulation in the gnomAD database. The observed variant frequency within South Asian control individuals in the gnomAD database is 4.11 folder higher than the estimated maximal expected allele frequency for disease-causing variants in CLCNKA. To our knowledge, no occurrence of c.499-8dupC in individuals affected with CLCNKA-related conditions and no experimental evidence demonstrating its impact on protein function have been reported. No submitters have cited clinical-significance assessments for this variant to ClinVar. Based on the evidence outlined above, the variant was classified as benign.

Blueprint Genetics
Classification: Likely benign. Last evaluated: 2024-11-07. Review status: criteria provided, single submitter. Criteria: ACMG Guidelines, 2015. Collection method: clinical testing. Allele origin: germline.